The following is an entry in ClinVar:

NM_013432.5(TONSL):c.3323A>G (p.Asn1108Ser)

Gene: TONSL (tonsoku like, DNA repair protein; minus strand). Cytogenetic location: 8q24.3.
Variant type: single nucleotide variant.
Coding change: c.3323A>G on transcript NM_013432.5 (MANE Select); coding-DNA position 3323, A replaced by G.
Protein change: p.Asn1108Ser; replaces asparagine 1108 with serine.
Molecular consequence: missense variant.
Genome position (GRCh38, 1-based): chr8:144,434,042, T>C on the plus strand (A>G on the coding strand, the complement: TONSL is on the minus strand). VCF-style: chr8-144434042-T-C. GRCh37 (hg19) VCF-style: chr8-145659425-T-C.
Other names: short protein forms N1108S.
Identifiers: ClinVar variation 1481612 (VCV001481612.5), dbSNP rs145296463, ClinGen allele CA4942542.

ClinVar aggregate classification (germline): Uncertain significance (1 of 4 stars; one submission).

Allele frequency attached by ClinVar (database versions not stated): TOPMed below 0.00001; gnomAD 0.00001; gnomAD exomes 0.00001 and 0.00002; ExAC 0.00003; 1000 Genomes Project 30x 0.00016; 1000 Genomes Project 0.00020.
gnomAD v4.1: 16 of 1,610,674 alleles (0.00099%); highest among the groups gnomAD compares: Non-Finnish European, 0.0013%; no homozygotes.

Submission:

Labcorp Genetics (formerly Invitae), Labcorp
Classification: Uncertain significance. Last evaluated: 2022-01-19. Review status: criteria provided, single submitter. Criteria: Invitae Variant Classification Sherloc (09022015). Collection method: clinical testing. Allele origin: germline.
Comment: In summary, the available evidence is currently insufficient to determine the role of this variant in disease. Therefore, it has been classified as a Variant of Uncertain Significance. Algorithms developed to predict the effect of sequence changes on RNA splicing suggest that this variant may create or strengthen a splice site. Algorithms developed to predict the effect of missense changes on protein structure and function are either unavailable or do not agree on the potential impact of this missense change (SIFT: "Tolerated"; PolyPhen-2: "Probably Damaging"; Align-GVGD: "Class C0"). This variant has not been reported in the literature in individuals affected with TONSL-related conditions. This variant is present in population databases (rs145296463, gnomAD 0.005%). This sequence change replaces asparagine, which is neutral and polar, with serine, which is neutral and polar, at codon 1108 of the TONSL protein (p.Asn1108Ser).